The following is an entry in ClinVar:

NM_001298.3(CNGA3):c.406del (p.Leu136fs)

Gene: CNGA3 (cyclic nucleotide gated channel subunit alpha 3; plus strand). Cytogenetic location: 2q11.2.
Variant type: Deletion.
Coding change: c.406del on transcript NM_001298.3 (MANE Select); coding-DNA position 406, one base deleted (C; older notation c.406delC).
Protein change: p.Leu136fs; shifts the reading frame from leucine 136.
Molecular consequence: frameshift variant. On other transcripts: intron variant (1).
Genome position (GRCh38, 1-based): chr2:98,383,398, C deleted; the last of 4 consecutive C bases (chr2:98,383,395-98,383,398); deleting any one gives the same sequence. VCF-style (leftmost placement, unchanged base first): chr2-98383394-GC-G. GRCh37 (hg19) VCF-style: chr2-98999857-GC-G.
Other names: c.395+3044del (NM_001079878.2); short protein forms L136fs.
Identifiers: ClinVar variation 1070222 (VCV001070222.8), dbSNP rs1362318397, ClinGen allele CA534920498.

ClinVar aggregate classification (germline): Pathogenic (1 of 4 stars; one submission).

Submission:

Labcorp Genetics (formerly Invitae), Labcorp
Classification: Pathogenic. Last evaluated: 2020-09-08. Review status: criteria provided, single submitter. Criteria: Invitae Variant Classification Sherloc (09022015). Collection method: clinical testing. Allele origin: germline.
Comment: For these reasons, this variant has been classified as Pathogenic. Loss-of-function variants in CNGA3 are known to be pathogenic (PMID: 14757870, 24903488, 25637600). This variant has not been reported in the literature in individuals with CNGA3-related conditions. This variant is not present in population databases (ExAC no frequency). This sequence change creates a premature translational stop signal (p.Leu136Trpfs*37) in the CNGA3 gene. It is expected to result in an absent or disrupted protein product.

Literature cited by the submitters: PubMed 14757870; PubMed 24903488; PubMed 25637600.